The following is an entry in ClinVar:

NM_000257.4(MYH7):c.2276del (p.Gly759fs)

Gene: MYH7 (myosin heavy chain 7; minus strand). Cytogenetic location: 14q11.2.
Variant type: Deletion.
Coding change: c.2276del on transcript NM_000257.4 (MANE Select); coding-DNA position 2276, one base deleted (G; older notation c.2276delG).
Protein change: p.Gly759fs; shifts the reading frame from glycine 759.
Molecular consequence: frameshift variant.
Genome position (GRCh38, 1-based): chr14:23,425,705, C deleted on the plus strand (G on the coding strand, the reverse complement: MYH7 is on the minus strand); the first of 2 consecutive C bases (chr14:23,425,705-23,425,706); deleting either gives the same sequence. VCF-style (leftmost placement, unchanged base first): chr14-23425704-GC-G. GRCh37 (hg19) VCF-style: chr14-23894913-GC-G.
Other names: c.2276del, p.Gly759fs (NM_001407004.1); short protein forms G759fs.
Identifiers: ClinVar variation 3894448 (VCV003894448.1).

ClinVar aggregate classification (germline): Uncertain significance (1 of 4 stars; one submission).

Conditions:
Cardiomyopathy (CMYO). Also called: Cardiomyopathies. Identifiers: Orphanet 167848, MedGen C0878544, MONDO:0004994, HP:0001638. Inheritance: Various modes of inheritance.

Submission:

Color Diagnostics, LLC DBA Color Health
Classification: Uncertain significance for Cardiomyopathy. Last evaluated: 2024-02-25. Review status: criteria provided, single submitter. Criteria: ACMG Guidelines, 2015. Collection method: clinical testing. Allele origin: germline.
Comment: This variant deletes 1 nucleotide in exon 20 of the MYH7 gene, creating a frameshift and premature translation stop signal. This variant is expected to result in an absent or non-functional protein product. To our knowledge, this variant has not been reported in individuals affected with MYH7-related disorders in the literature. This variant has not been identified in the general population by the Genome Aggregation Database (gnomAD). Clinical relevance of loss-of-function MYH7 truncation variants in autosomal dominant cardiovascular disorders is not clearly established. The available evidence is insufficient to determine the role of this variant in disease conclusively. Therefore, this variant is classified as a Variant of Uncertain Significance.